The following is an entry in ClinVar:

ClinVar aggregate classification (germline): Uncertain significance (1 of 4 stars; one submission).

Submission:

Dasa
Classification: Uncertain significance. Last evaluated: 2026-07-09. Review status: criteria provided, single submitter. Criteria: DASA Assertion Criteria. Collection method: clinical testing. Allele origin: germline.
Comment: NM_000051.4(ATM):c.3505G>C (p.Glu1169Gln) is a missense variant that results in the substitution of glutamic acid with glutamine. This variant is rare in population databases. The currently available literature and clinical evidence are not sufficient to establish a definitive association between this variant and the reported condition. Therefore, this variant is classified as a variant of uncertain significance.

NM_000051.4(ATM):c.3505G>C (p.Glu1169Gln)

Gene: ATM (ATM serine/threonine kinase; plus strand). Cytogenetic location: 11q22.3.
Variant type: single nucleotide variant.
Coding change: c.3505G>C on transcript NM_000051.4 (MANE Select); coding-DNA position 3505, G replaced by C.
Protein change: p.Glu1169Gln; replaces glutamic acid 1169 with glutamine.
Molecular consequence: missense variant.
Genome position (GRCh38, 1-based): chr11:108,281,097, G>C. VCF-style: chr11-108281097-G-C. GRCh37 (hg19) VCF-style: chr11-108151824-G-C.
Other names: c.3505G>C, p.Glu1169Gln (NM_001351834.2); short protein forms E1169Q.
Identifiers: ClinVar variation 5020218 (VCV005020218.1).